The following is an entry in ClinVar:

ClinVar aggregate classification (germline): Uncertain significance. Review status: criteria provided, multiple submitters, no conflicts (2 of 4 stars). 2 submissions from 2 submitters: Uncertain significance (2). Last evaluated 2023-10-23.

Conditions:
Cardiovascular phenotype. Identifiers: MedGen CN230736.
Brugada syndrome 4 (BRGDA4). Identifiers: Orphanet 130, MedGen C2678477, MONDO:0012743, OMIM 611876.

Submissions (2):

Labcorp Genetics (formerly Invitae), Labcorp
Classification: Uncertain significance for Brugada syndrome 4. Last evaluated: 2023-10-23. Review status: criteria provided, single submitter. Criteria: Invitae Variant Classification Sherloc (09022015). Collection method: clinical testing. Allele origin: germline.
Comment: This sequence change creates a premature translational stop signal (p.Ile588Lysfs*2) in the CACNB2 gene. While this is not anticipated to result in nonsense mediated decay, it is expected to disrupt the last 19 amino acid(s) of the CACNB2 protein. This variant is not present in population databases (gnomAD no frequency). This variant has not been reported in the literature in individuals affected with CACNB2-related conditions. ClinVar contains an entry for this variant (Variation ID: 1779499). In summary, the available evidence is currently insufficient to determine the role of this variant in disease. Therefore, it has been classified as a Variant of Uncertain Significance.

Ambry Genetics
Classification: Uncertain significance for Cardiovascular phenotype. Last evaluated: 2021-03-31. Review status: criteria provided, single submitter. Criteria: Ambry Variant Classification Scheme 2023. Collection method: clinical testing. Allele origin: germline.
Comment: The c.1758_1762dupAGTGA variant, located in coding exon 13 of the CACNB2 gene, results from a duplication of AGTGA at nucleotide position 1758, causing a translational frameshift with a predicted alternate stop codon (p.I588Kfs*2). This alteration is expected to result in premature protein truncation or nonsense-mediated mRNA decay. However, loss of function of CACNB2 has not been clearly established as a mechanism of disease. Since supporting evidence is limited at this time, the clinical significance of this alteration remains unclear.

NM_201596.3(CACNB2):c.1920_1924dup (p.Ile642delinsLysTer)

Gene: CACNB2 (calcium voltage-gated channel auxiliary subunit beta 2; plus strand). Cytogenetic location: 10p12.31.
Variant type: Duplication.
Coding change: c.1920_1924dup on transcript NM_201596.3 (MANE Select); coding-DNA positions 1920 to 1924, 5 bases duplicated (AGTGA; older notation c.1920_1924dupAGTGA).
Protein change: p.Ile642delinsLysTer.
Molecular consequence: nonsense. On other transcripts: frameshift variant (1).
Genome position (GRCh38, 1-based): chr10:18,539,661-18,539,665, AGTGA duplicated; duplicating any 5 consecutive bases within chr10:18,539,659-18,539,665 gives the same sequence; the c. name uses the placement nearest the transcript's 3' end. VCF-style (leftmost placement, unchanged base first): chr10-18539658-A-AGAAGT. GRCh37 (hg19) VCF-style: chr10-18828587-A-AGAAGT.
Other names: c.1755_1759dup, p.Ile587delinsLysTer (NM_000724.4); c.1722_1726dup, p.Ile576delinsLysTer (NM_001167945.2); c.1641_1645dup, p.Ile549delinsLysTer (NM_001330060.2); c.1662_1666dup, p.Ile556Lysfs (NM_001410882.1); c.1776_1780dup, p.Ile594delinsLysTer (NM_201570.3); c.1836_1840dup, p.Ile614delinsLysTer (NM_201571.4); c.1764_1768dup, p.Ile590delinsLysTer (NM_201572.4); c.1758_1762dup, p.Ile588delinsLysTer (NM_201590.3); and 2 more.
Identifiers: ClinVar variation 1779499 (VCV001779499.5), dbSNP rs2494923053, ClinGen allele CA2580081383.